The following is an entry in ClinVar:

NM_004360.5(CDH1):c.619A>G (p.Ile207Val)

Gene: CDH1 (cadherin 1; plus strand). Cytogenetic location: 16q22.1.
Variant type: single nucleotide variant.
Coding change: c.619A>G on transcript NM_004360.5 (MANE Select); coding-DNA position 619, A replaced by G.
Protein change: p.Ile207Val; replaces isoleucine 207 with valine.
Molecular consequence: missense variant. On other transcripts: 5 prime UTR variant (2).
Genome position (GRCh38, 1-based): chr16:68,808,780, A>G. VCF-style: chr16-68808780-A-G. GRCh37 (hg19) VCF-style: chr16-68842683-A-G.
Other names: c.619A>G, p.Ile207Val (NM_001317184.2); c.-997A>G (NM_001317185.2); c.-1201A>G (NM_001317186.2); short protein forms I207V.
Identifiers: ClinVar variation 1467412 (VCV001467412.8), dbSNP rs1470258333, ClinGen allele CA396458023.
Genomic context (GRCh38, chr16:68,808,780, plus strand): 5'-AAGGTTTTCTACAGCATCACTGGCCAAGGAGCTGACACACCCCCTGTTGGTGTCTTTATT[A>G]TTGAAAGAGAAACAGGATGGCTGAAGGTGACAGAGCCTCTGGATAGAGAACGCATTGCCA-3'
Protein context (NP_004351.1, residues 197-217): ADTPPVGVFI[Ile207Val]ERETGWLKVT

ClinVar aggregate classification (germline): Uncertain significance (1 of 4 stars; one submission).

Conditions:
Hereditary diffuse gastric adenocarcinoma (HDGC). Also called: DIFFUSE GASTRIC AND LOBULAR BREAST CANCER SYNDROME. Identifiers: Orphanet 26106, MedGen C1708349, MONDO:0007648, OMIM 137215.

Allele frequency attached by ClinVar (database versions not stated): gnomAD exomes below 0.00001.
gnomAD v4.1: 1 of 1,614,192 alleles (0.000062%); no homozygotes.

Submission:

Labcorp Genetics (formerly Invitae), Labcorp
Classification: Uncertain significance for Hereditary diffuse gastric adenocarcinoma. Last evaluated: 2020-12-14. Review status: criteria provided, single submitter. Criteria: Invitae Variant Classification Sherloc (09022015). Collection method: clinical testing. Allele origin: germline.
Comment: In summary, the available evidence is currently insufficient to determine the role of this variant in disease. Therefore, it has been classified as a Variant of Uncertain Significance. Algorithms developed to predict the effect of missense changes on protein structure and function are either unavailable or do not agree on the potential impact of this missense change (SIFT: "Tolerated"; PolyPhen-2: "Probably Damaging"; Align-GVGD: "Class C0"). This variant has not been reported in the literature in individuals with CDH1-related conditions. This variant is not present in population databases (ExAC no frequency). This sequence change replaces isoleucine with valine at codon 207 of the CDH1 protein (p.Ile207Val). The isoleucine residue is highly conserved and there is a small physicochemical difference between isoleucine and valine.